The following is an entry in ClinVar:

NM_000795.4(DRD2):c.1236G>A (p.Thr412=)

Gene: DRD2 (dopamine receptor D2; minus strand). Cytogenetic location: 11q23.2.
Variant type: single nucleotide variant.
Coding change: c.1236G>A on transcript NM_000795.4 (MANE Select); coding-DNA position 1236, G replaced by A.
Protein change: p.Thr412=; no amino-acid change (threonine 412 retained).
Molecular consequence: synonymous variant.
Genome position (GRCh38, 1-based): chr11:113,410,823, C>T on the plus strand (G>A on the coding strand, the complement: DRD2 is on the minus strand). VCF-style: chr11-113410823-C-T. GRCh37 (hg19) VCF-style: chr11-113281545-C-T.
Other names: c.1149G>A, p.Thr383= (NM_016574.4).
Identifiers: ClinVar variation 695465 (VCV000695465.34), dbSNP rs71653615, ClinGen allele CA6281150.

ClinVar aggregate classification (germline): Likely benign. Review status: criteria provided, multiple submitters, no conflicts (2 of 4 stars). 2 submissions from 2 submitters: Likely benign (2). Last evaluated 2025-05-21.

Conditions:
Dystonic disorder. Also called: Dystonia. Identifiers: MedGen C0013421, MONDO:0003441, HP:0001332.

Allele frequency attached by ClinVar (database versions not stated): TOPMed 0.00021; gnomAD 0.00023 and 0.00026; gnomAD exomes 0.00025 and 0.00052; ExAC 0.00033; ESP Exome Variant Server 0.00077.
gnomAD v4.1: 776 of 1,614,034 alleles (0.048%); highest among the groups gnomAD compares: Non-Finnish European, 0.063%; 1 homozygote.

Submissions (2):

Labcorp Genetics (formerly Invitae), Labcorp
Classification: Likely benign for Dystonic disorder. Last evaluated: 2025-05-21. Review status: criteria provided, single submitter. Criteria: Invitae Variant Classification Sherloc (09022015). Collection method: clinical testing. Allele origin: germline.

CeGaT Center for Human Genetics Tuebingen
Classification: Likely benign. Last evaluated: 2023-07-01. Review status: criteria provided, single submitter. Criteria: CeGaT Center For Human Genetics Tuebingen Variant Classification Criteria Version 2. Collection method: clinical testing. Allele origin: germline. Affected: yes. Observed: 1 variant allele.
Comment: DRD2: BP4, BP7